The following is an entry in ClinVar:

NM_031407.7(HUWE1):c.3082A>G (p.Thr1028Ala)

Gene: HUWE1 (HECT, UBA and WWE domain containing E3 ubiquitin protein ligase 1; minus strand). Cytogenetic location: Xp11.22.
Variant type: single nucleotide variant.
Coding change: c.3082A>G on transcript NM_031407.7 (MANE Select); coding-DNA position 3082, A replaced by G.
Protein change: p.Thr1028Ala; replaces threonine 1028 with alanine.
Molecular consequence: missense variant.
Genome position (GRCh38, 1-based): chrX:53,600,199, T>C on the plus strand (A>G on the coding strand, the complement: HUWE1 is on the minus strand). VCF-style: chrX-53600199-T-C. GRCh37 (hg19) VCF-style: chrX-53627159-T-C.
Other names: c.3082A>G (NM_031407.6); short protein forms T1028A.
Identifiers: ClinVar variation 196188 (VCV000196188.26), dbSNP rs145758265, ClinGen allele CA208123.

ClinVar aggregate classification (germline): Conflicting classifications of pathogenicity. Review status: criteria provided, conflicting classifications (1 of 4 stars). 10 submissions from 10 submitters: Uncertain significance (1); Benign (3); Likely benign (2). 4 of the submissions do not count toward it. Last evaluated 2026-01-21.

Conditions:
HUWE1-related disorder. Also called: HUWE1-related condition.
Inborn genetic diseases. Identifiers: MedGen C0950123, MeSH D030342.

Allele frequency attached by ClinVar (database versions not stated): TOPMed 0.00040; ESP Exome Variant Server 0.00066; gnomAD 0.00075 and 0.00081; gnomAD exomes 0.00075 and 0.00096; ExAC 0.00129.
gnomAD v4.1: 907 of 1,207,806 alleles (0.075%); highest among the groups gnomAD compares: Non-Finnish European, 0.07%; 2 homozygotes.

Submissions (10):

Labcorp Genetics (formerly Invitae), Labcorp
Classification: Benign. Last evaluated: 2026-01-21. Review status: criteria provided, single submitter. Criteria: Invitae Variant Classification Sherloc (09022015). Collection method: clinical testing. Allele origin: germline.

Blueprint Genetics
Classification: Likely benign. Last evaluated: 2024-10-31. Review status: criteria provided, single submitter. Criteria: ACMG Guidelines, 2015. Collection method: clinical testing. Allele origin: germline.

GeneDx
Classification: Benign. Last evaluated: 2020-12-18. Review status: criteria provided, single submitter. Criteria: GeneDx Variant Classification Process June 2021. Collection method: clinical testing. Allele origin: germline. Affected: yes.
Comment: This variant is associated with the following publications: (PMID: 24307393)

Ambry Genetics
Classification: Benign for Inborn genetic diseases. Last evaluated: 2016-10-28. Review status: criteria provided, single submitter. Criteria: Ambry Variant Classification Scheme 2023. Collection method: clinical testing. Allele origin: germline.

Genetic Services Laboratory, University of Chicago
Classification: Likely benign. Last evaluated: 2015-06-01. Review status: criteria provided, single submitter. Criteria: ACMG Guidelines, 2015. Collection method: clinical testing. Allele origin: germline.

Eurofins Ntd Llc (ga)
Classification: Uncertain significance. Last evaluated: 2014-09-02. Review status: criteria provided, single submitter. Criteria: EGL Classification Definitions 2015. Collection method: clinical testing. Allele origin: germline. Observed: 1 variant allele, 1 hemizygote.

PreventionGenetics, part of Exact Sciences
Classification: Benign for HUWE1-related condition. Last evaluated: 2019-04-26. Review status: no assertion criteria provided. Collection method: clinical testing. Allele origin: germline. Not counted in ClinVar's aggregate classification.
Comment: This variant is classified as benign based on ACMG/AMP sequence variant interpretation guidelines (Richards et al. 2015 PMID: 25741868, with internal and published modifications).

Clinical Genetics DNA and cytogenetics Diagnostics Lab, Erasmus MC, Erasmus Medical Center
Classification: Likely benign. Review status: no assertion criteria provided. Collection method: clinical testing. Allele origin: germline. Affected: yes. Study: VKGL Data-share Consensus. Not counted in ClinVar's aggregate classification.

Genome Diagnostics Laboratory, University Medical Center Utrecht
Classification: Likely benign. Review status: no assertion criteria provided. Collection method: clinical testing. Allele origin: germline. Affected: yes. Study: VKGL Data-share Consensus. Not counted in ClinVar's aggregate classification.

Laboratory of Diagnostic Genome Analysis, Leiden University Medical Center (LUMC)
Classification: Likely benign. Review status: no assertion criteria provided. Collection method: clinical testing. Allele origin: germline. Affected: yes. Study: VKGL Data-share Consensus. Not counted in ClinVar's aggregate classification.